The following is an entry in ClinVar:

NM_005869.4(CWC27):c.120dup (p.Ile41fs)

Gene: CWC27 (CWC27 spliceosome associated cyclophilin; plus strand). Cytogenetic location: 5q12.3.
Variant type: Duplication.
Coding change: c.120dup on transcript NM_005869.4 (MANE Select); coding-DNA position 120, one base duplicated (T; older notation c.120dupT).
Protein change: p.Ile41fs; shifts the reading frame from isoleucine 41.
Molecular consequence: frameshift variant.
Genome position (GRCh38, 1-based): chr5:64,774,768, T duplicated; the last of 4 consecutive T bases (chr5:64,774,765-64,774,768); duplicating any one gives the same sequence. VCF-style (leftmost placement, unchanged base first): chr5-64774764-A-AT. GRCh37 (hg19) VCF-style: chr5-64070591-A-AT.
Other names: c.120dup, p.Ile41fs (NM_001297644.1, NM_001297645.2, NM_001318000.2 and 1 more transcripts); short protein forms I41fs.
Identifiers: ClinVar variation 2816802 (VCV002816802.3), dbSNP rs2531243592, ClinGen allele CA2739274779.

ClinVar aggregate classification (germline): Pathogenic (1 of 4 stars; one submission).

Submission:

Labcorp Genetics (formerly Invitae), Labcorp
Classification: Pathogenic. Last evaluated: 2022-11-26. Review status: criteria provided, single submitter. Criteria: Invitae Variant Classification Sherloc (09022015). Collection method: clinical testing. Allele origin: germline.
Comment: This variant is not present in population databases (gnomAD no frequency). For these reasons, this variant has been classified as Pathogenic. This variant has not been reported in the literature in individuals affected with CWC27-related conditions. This sequence change creates a premature translational stop signal (p.Ile41Tyrfs*10) in the CWC27 gene. It is expected to result in an absent or disrupted protein product. Loss-of-function variants in CWC27 are known to be pathogenic (PMID: 28285769).

Literature cited by the submitters: PubMed 28285769.